The following is an entry in ClinVar:

NM_024298.5(MBOAT7):c.577C>T (p.Arg193Cys)

Gene: MBOAT7 (membrane bound acylglycerophosphatidylinositol O-acyltransferase MBOAT7; minus strand). Cytogenetic location: 19q13.42.
Variant type: single nucleotide variant.
Coding change: c.577C>T on transcript NM_024298.5 (MANE Select); coding-DNA position 577, C replaced by T.
Protein change: p.Arg193Cys; replaces arginine 193 with cysteine.
Molecular consequence: missense variant.
Genome position (GRCh38, 1-based): chr19:54,181,050, G>A on the plus strand (C>T on the coding strand, the complement: MBOAT7 is on the minus strand). VCF-style: chr19-54181050-G-A. GRCh37 (hg19) VCF-style: chr19-54684767-G-A.
Other names: c.358C>T, p.Arg120Cys (NM_001146056.3, NM_001146083.3); c.577C>T, p.Arg193Cys (NM_001146082.3); c.577C>T (NM_024298.4); short protein forms R120C, R193C.
Identifiers: ClinVar variation 4280950 (VCV004280950.9).
Genomic context (GRCh38, chr19:54,181,050, plus strand): 5'-GGAAGAGGTGAGAGGAGAGCAGGAACAGCAGGCCGAAGAGCGGGGCCGGCCAGGCGCGGC[G>A]CAGCAGGGGCCGCAGGCTGGGCACTGCCCCGGGGAAGGGCTGCTCCAGCCAGTCCAGGTA-3'
Protein context (NP_077274.3, residues 183-203): GAVPSLRPLL[Arg193Cys]RAWPAPLFGL

ClinVar aggregate classification (germline): Uncertain significance. Review status: criteria provided, multiple submitters, no conflicts (2 of 4 stars). 3 submissions from 3 submitters: Uncertain significance (3). Last evaluated 2026-01-30.

Submissions (3):

GeneDx
Classification: Uncertain significance. Last evaluated: 2026-01-30. Review status: criteria provided, single submitter. Criteria: GeneDx Variant Classification Process June 2021. Collection method: clinical testing. Allele origin: germline.
Comment: In silico analysis supports that this missense variant has a deleterious effect on protein structure/function; Has not been previously published as pathogenic or benign to our knowledge

CeGaT Center for Human Genetics Tuebingen
Classification: Uncertain significance. Last evaluated: 2025-09-01. Review status: criteria provided, single submitter. Criteria: CeGaT Center For Human Genetics Tuebingen Variant Classification Criteria Version 2. Collection method: clinical testing. Allele origin: germline. Affected: yes. Observed: 1 variant allele.
Comment: MBOAT7: PM2, PM3

Blueprint Genetics
Classification: Uncertain significance. Last evaluated: 2023-03-01. Review status: criteria provided, single submitter. Criteria: ACMG Guidelines, 2015. Collection method: clinical testing. Allele origin: germline.